The following is an entry in ClinVar:

ClinVar aggregate classification (germline): Likely pathogenic (1 of 4 stars; one submission).

Submission:

Labcorp Genetics (formerly Invitae), Labcorp
Classification: Likely pathogenic. Last evaluated: 2025-04-07. Review status: criteria provided, single submitter. Criteria: Invitae Variant Classification Sherloc (09022015). Collection method: clinical testing. Allele origin: germline.
Comment: This sequence change affects an acceptor splice site in intron 48 of the UNC80 gene. It is expected to disrupt RNA splicing. Variants that disrupt the donor or acceptor splice site typically lead to a loss of protein function (PMID: 16199547), and loss-of-function variants in UNC80 are known to be pathogenic (PMID: 26545877, 26708751, 26708753). This variant is not present in population databases (gnomAD no frequency). This variant has not been reported in the literature in individuals affected with UNC80-related conditions. ClinVar contains an entry for this variant (Variation ID: 2711152). Algorithms developed to predict the effect of sequence changes on RNA splicing suggest that this variant may disrupt the consensus splice site. In summary, the currently available evidence indicates that the variant is pathogenic, but additional data are needed to prove that conclusively. Therefore, this variant has been classified as Likely Pathogenic.

Literature cited by the submitters: PubMed 16199547; PubMed 26545877; PubMed 26708751; PubMed 26708753.

NM_001371986.1(UNC80):c.7551-1G>C

Gene: UNC80 (unc-80 subunit of NALCN channel complex; plus strand). Cytogenetic location: 2q34.
Variant type: single nucleotide variant.
Coding change: c.7551-1G>C on transcript NM_001371986.1 (MANE Select); the canonical splice acceptor site of the intron before coding-DNA position 7551, G replaced by C.
Molecular consequence: splice acceptor variant.
Genome position (GRCh38, 1-based): chr2:209,959,118, G>C. VCF-style: chr2-209959118-G-C. GRCh37 (hg19) VCF-style: chr2-210823842-G-C.
Other names: c.7353-1G>C (NM_032504.2); c.7338-1G>C (NM_182587.4).
Identifiers: ClinVar variation 2711152 (VCV002711152.3), dbSNP rs2471203949, ClinGen allele CA350776494.